The following is an entry in ClinVar:

ClinVar aggregate classification (germline): Uncertain significance (1 of 4 stars; one submission).

Conditions:
Tyrosinemia type II (TYRSN2). Also called: TAT DEFICIENCY; TYROSINE AMINOTRANSFERASE DEFICIENCY; TYROSINE TRANSAMINASE DEFICIENCY; KERATOSIS PALMOPLANTARIS WITH CORNEAL DYSTROPHY; OREGON TYPE TYROSINEMIA. Identifiers: Orphanet 28378, MedGen C0268487, MONDO:0010160, OMIM 276600.

Allele frequency attached by ClinVar (database versions not stated): gnomAD exomes 0.00001; ExAC 0.00002; TOPMed 0.00002.
gnomAD v4.1: 18 of 1,614,058 alleles (0.0011%); highest among the groups gnomAD compares: Admixed American, 0.0017%; no homozygotes.

Submission:

Labcorp Genetics (formerly Invitae), Labcorp
Classification: Uncertain significance for Tyrosinemia type II. Last evaluated: 2021-09-01. Review status: criteria provided, single submitter. Criteria: Invitae Variant Classification Sherloc (09022015). Collection method: clinical testing. Allele origin: germline.
Comment: This sequence change replaces glycine with serine at codon 25 of the TAT protein (p.Gly25Ser). The glycine residue is weakly conserved and there is a small physicochemical difference between glycine and serine. This variant is present in population databases (rs778542238, ExAC 0.006%). This variant has not been reported in the literature in individuals affected with TAT-related conditions. Algorithms developed to predict the effect of missense changes on protein structure and function output the following: SIFT: "Tolerated"; PolyPhen-2: "Benign"; Align-GVGD: "Class C0". The serine amino acid residue is found in multiple mammalian species, which suggests that this missense change does not adversely affect protein function. Algorithms developed to predict the effect of sequence changes on RNA splicing suggest that this variant may create or strengthen a splice site. In summary, the available evidence is currently insufficient to determine the role of this variant in disease. Therefore, it has been classified as a Variant of Uncertain Significance.

NM_000353.3(TAT):c.73G>A (p.Gly25Ser)

Gene: TAT (tyrosine aminotransferase; minus strand). Cytogenetic location: 16q22.2.
Variant type: single nucleotide variant.
Coding change: c.73G>A on transcript NM_000353.3 (MANE Select); coding-DNA position 73, G replaced by A.
Protein change: p.Gly25Ser; replaces glycine 25 with serine.
Molecular consequence: missense variant.
Genome position (GRCh38, 1-based): chr16:71,576,343, C>T on the plus strand (G>A on the coding strand, the complement: TAT is on the minus strand). VCF-style: chr16-71576343-C-T. GRCh37 (hg19) VCF-style: chr16-71610246-C-T.
Other names: short protein forms G25S.
Identifiers: ClinVar variation 2168263 (VCV002168263.1), dbSNP rs778542238, ClinGen allele CA8154092.